The following is an entry in ClinVar:

ClinVar aggregate classification (germline): Pathogenic. Review status: criteria provided, multiple submitters, no conflicts (2 of 4 stars). 4 submissions from 4 submitters: Pathogenic (4). Last evaluated 2026-04-02.

Conditions:
TK2-related disorder. Also called: TK2-related condition.
Mitochondrial disease. Also called: Mitochondrial disorder; Mitochondrial disorders. Identifiers: Orphanet 68380, MedGen C0751651, MeSH D028361, MONDO:0044970.

Submissions (4):

PreventionGenetics, part of Exact Sciences
Classification: Pathogenic for TK2-related condition. Last evaluated: 2026-04-02. Review status: criteria provided, single submitter. Criteria: ACMG Guidelines, 2015. Collection method: clinical testing. Allele origin: germline.
Comment: The TK2 c.150dupA variant is predicted to result in a frameshift and premature protein termination (p.Ser51Ilefs*99). This variant, alternatively referred to as c.276dupA using legacy nomenclature, has been reported with a second TK2 variant in three unrelated individuals with TK2 deficiency (Martí et al. 2010. PubMed ID: 20421844; Ceballos et al. 2024. PubMed ID: 38544965). This variant is reported in 0.00088% of alleles in individuals of European (non-Finnish) descent in gnomAD. Frameshift variants in TK2 are expected to be pathogenic. This variant is interpreted as pathogenic.

Genomenon, Inc
Classification: Pathogenic for Mitochondrial disease. Last evaluated: 2025-11-24. Review status: criteria provided, single submitter. Criteria: Genomenon Sequence Variant Interpretation Standards - Updated. Collection method: curation. Allele origin: germline. Affected: yes.
Comment: TK2 p.Ser51IlefsTer99 (c.150dup) is a frameshift variant that results in the production of a truncated protein which is predicted to have a deleterious effect on TK2 gene function. It is also described as c.276dupA and S93IfsX99 in the literature. This variant has been observed in multiple probands affected with mitochondrial disease in the compound heterozygous state (38544965, 29602790, 20421844). This variant is not present at a significant frequency in gnomAD. In conclusion, we classify TK2 p.Ser51IlefsTer99 (c.150dup) as a pathogenic variant.

Labcorp Genetics (formerly Invitae), Labcorp
Classification: Pathogenic. Last evaluated: 2023-06-30. Review status: criteria provided, single submitter. Criteria: Invitae Variant Classification Sherloc (09022015). Collection method: clinical testing. Allele origin: germline.
Comment: This variant is also known as c.276dupA (p.S93IfsX99). For these reasons, this variant has been classified as Pathogenic. This premature translational stop signal has been observed in individual(s) with TK2-related conditions (PMID: 20421844, 29602790, 30634555). This variant is present in population databases (rs281865504, gnomAD 0.0009%). This sequence change creates a premature translational stop signal (p.Ser51Ilefs*99) in the TK2 gene. It is expected to result in an absent or disrupted protein product. Loss-of-function variants in TK2 are known to be pathogenic (PMID: 20421844).

CeGaT Center for Human Genetics Tuebingen
Classification: Pathogenic. Last evaluated: 2023-05-01. Review status: criteria provided, single submitter. Criteria: CeGaT Center For Human Genetics Tuebingen Variant Classification Criteria Version 2. Collection method: clinical testing. Allele origin: germline. Affected: yes. Observed: 1 variant allele.
Comment: TK2: PVS1, PM2

Literature cited by the submitters: PubMed 38544965 (cited by Genomenon, Inc); PubMed 29602790 (cited by Genomenon, Inc and Labcorp Genetics (formerly Invitae), Labcorp); PubMed 20421844 (cited by Genomenon, Inc and Labcorp Genetics (formerly Invitae), Labcorp); PubMed 30634555 (cited by Labcorp Genetics (formerly Invitae), Labcorp).

NM_004614.5(TK2):c.150dup (p.Ser51fs)

Gene: TK2 (thymidine kinase 2; minus strand). Cytogenetic location: 16q21.
Variant type: Duplication.
Coding change: c.150dup on transcript NM_004614.5 (MANE Select); coding-DNA position 150, one base duplicated (A; older notation c.150dupA).
Protein change: p.Ser51fs; shifts the reading frame from serine 51.
Molecular consequence: frameshift variant. On other transcripts: 5 prime UTR variant (2), non-coding transcript variant (1).
Genome position (GRCh38, 1-based): chr16:66,548,984, T duplicated on the plus strand (A on the coding strand, the reverse complement: TK2 is on the minus strand); the first of 6 consecutive T bases (chr16:66,548,984-66,548,989); duplicating any one gives the same sequence. VCF-style (leftmost placement, unchanged base first): chr16-66548983-A-AT. GRCh37 (hg19) VCF-style: chr16-66582886-A-AT.
Other names: c.150dup (NM_004614.4); c.57dup, p.Ser20fs (NM_001172643.1, NM_001271935.1); c.150dup, p.Ser51fs (NM_001172644.2, NM_001172645.2); c.-93dup (NM_001271934.2); c.-142dup (NM_001272050.2); short protein forms S20fs, S51fs.
Identifiers: ClinVar variation 2570945 (VCV002570945.33), dbSNP rs281865504, ClinGen allele CA343289.